The following is an entry in ClinVar:

NM_030761.5(WNT4):c.483C>T (p.Tyr161=)

Gene: WNT4 (Wnt family member 4; minus strand). Cytogenetic location: 1p36.12.
Variant type: single nucleotide variant.
Coding change: c.483C>T on transcript NM_030761.5 (MANE Select); coding-DNA position 483, C replaced by T.
Protein change: p.Tyr161=; no amino-acid change (tyrosine 161 retained).
Molecular consequence: synonymous variant.
Genome position (GRCh38, 1-based): chr1:22,121,316, G>A on the plus strand (C>T on the coding strand, the complement: WNT4 is on the minus strand). VCF-style: chr1-22121316-G-A. GRCh37 (hg19) VCF-style: chr1-22447809-G-A.
Other names: p.Tyr161=.
Identifiers: ClinVar variation 707447 (VCV000707447.32), dbSNP rs149600184, ClinGen allele CA675346.

ClinVar aggregate classification (germline): Benign/Likely benign. Review status: criteria provided, multiple submitters, no conflicts (2 of 4 stars). 5 submissions from 5 submitters: Benign (3); Likely benign (2). Last evaluated 2026-09-01.

Conditions:
Mullerian aplasia and hyperandrogenism. Also called: MULLERIAN DUCT FAILURE AND HYPERANDROGENISM. Identifiers: Orphanet 247768, MedGen C2675014, MONDO:0008019, OMIM 158330.
SERKAL syndrome (SERKAL). Also called: 46,XX SEX REVERSAL WITH DYSGENESIS OF KIDNEYS, ADRENALS, AND LUNGS. Identifiers: Orphanet 139466, MedGen C2678492, MONDO:0012734, OMIM 611812.

Allele frequency attached by ClinVar (database versions not stated): gnomAD exomes 0.00109; ExAC 0.00146; 1000 Genomes Project 0.00339; gnomAD 0.00388 and 0.00421; 1000 Genomes Project 30x 0.00390; TOPMed 0.00477; ESP Exome Variant Server 0.00500.
gnomAD v4.1: 1,352 of 1,614,150 alleles (0.084%); highest among the groups gnomAD compares: African/African-American, 1.2%; 4 homozygotes.

Submissions (5):

CeGaT Center for Human Genetics Tuebingen
Classification: Likely benign. Last evaluated: 2026-09-01. Review status: criteria provided, single submitter. Criteria: CeGaT Center For Human Genetics Tuebingen Variant Classification Criteria Version 2. Collection method: clinical testing. Allele origin: germline. Affected: yes. Observed: 2 variant alleles.
Comment: WNT4: BP4, BP7, BS1

Labcorp Genetics (formerly Invitae), Labcorp
Classification: Benign. Last evaluated: 2026-01-14. Review status: criteria provided, single submitter. Criteria: Invitae Variant Classification Sherloc (09022015). Collection method: clinical testing. Allele origin: germline.

Mayo Clinic Laboratories, Mayo Clinic
Classification: Likely benign. Last evaluated: 2025-10-15. Review status: criteria provided, single submitter. Criteria: ACMG Guidelines, 2015. Collection method: clinical testing. Allele origin: germline. Observed: 1 variant allele.
Comment: BP4, BP7

Fulgent Genetics
Classification: Benign for Mullerian aplasia and hyperandrogenism; SERKAL syndrome. Last evaluated: 2021-07-21. Review status: criteria provided, single submitter. Criteria: ACMG Guidelines, 2015. Collection method: clinical testing. Allele origin: unknown.

Breakthrough Genomics
Classification: Benign. Review status: criteria provided, single submitter. Criteria: ACMG Guidelines, 2015. Collection method: not provided. Allele origin: germline. Inheritance: Autosomal recessive inheritance. Affected: yes.